The following is an entry in ClinVar:

ClinVar aggregate classification (germline): Likely benign. Review status: criteria provided, multiple submitters, no conflicts (2 of 4 stars). 2 submissions from 2 submitters: Likely benign (2). Last evaluated 2026-05-14.

Conditions:
CNNM2-related disorder. Also called: CNNM2-related condition.

Submissions (2):

Revvity Omics, Revvity
Classification: Likely benign. Last evaluated: 2026-05-14. Review status: criteria provided, single submitter. Criteria: ACMG Guidelines, 2015. Collection method: clinical testing. Allele origin: germline.

PreventionGenetics, part of Exact Sciences
Classification: Likely benign for CNNM2-related condition. Last evaluated: 2025-06-20. Review status: criteria provided, single submitter. Criteria: ACMG Guidelines, 2015. Collection method: clinical testing. Allele origin: germline.
Comment: This variant is classified as likely benign based on ACMG/AMP sequence variant interpretation guidelines (Richards et al. 2015 PMID: 25741868, with internal and published modifications).

NM_017649.5(CNNM2):c.852G>C (p.Pro284=)

Gene: CNNM2 (cyclin and CBS domain divalent metal cation transport mediator 2; plus strand). Cytogenetic location: 10q24.32.
Variant type: single nucleotide variant.
Coding change: c.852G>C on transcript NM_017649.5 (MANE Select); coding-DNA position 852, G replaced by C.
Protein change: p.Pro284=; no amino-acid change (proline 284 retained).
Molecular consequence: synonymous variant.
Genome position (GRCh38, 1-based): chr10:102,919,332, G>C. VCF-style: chr10-102919332-G-C. GRCh37 (hg19) VCF-style: chr10-104679089-G-C.
Other names: c.852G>C, p.Pro284= (NM_199076.3, NM_199077.3); c.852G>C (NM_017649.4).
Identifiers: ClinVar variation 4877369 (VCV004877369.2).